The following is an entry in ClinVar:

NM_004260.4(RECQL4):c.1342C>G (p.Pro448Ala)

Gene: RECQL4 (RecQ like helicase 4; minus strand). Cytogenetic location: 8q24.3.
Variant type: single nucleotide variant.
Coding change: c.1342C>G on transcript NM_004260.4 (MANE Select); coding-DNA position 1342, C replaced by G.
Protein change: p.Pro448Ala; replaces proline 448 with alanine.
Molecular consequence: missense variant.
Genome position (GRCh38, 1-based): chr8:144,515,374, G>C on the plus strand (C>G on the coding strand, the complement: RECQL4 is on the minus strand). VCF-style: chr8-144515374-G-C. GRCh37 (hg19) VCF-style: chr8-145740758-G-C.
Other names: short protein forms P448A.
Identifiers: ClinVar variation 663590 (VCV000663590.5), dbSNP rs1586817338, ClinGen allele CA372685542.

ClinVar aggregate classification (germline): Uncertain significance. Review status: criteria provided, multiple submitters, no conflicts (2 of 4 stars). 2 submissions from 2 submitters: Uncertain significance (2). Last evaluated 2026-03-23.

Conditions:
Baller-Gerold syndrome (BGS). Also called: CRANIOSYNOSTOSIS WITH RADIAL DEFECTS. Identifiers: Orphanet 1225, MedGen C0265308, MONDO:0009039, OMIM 218600.
Inborn genetic diseases. Identifiers: MedGen C0950123, MeSH D030342.

Submissions (2):

Ambry Genetics
Classification: Uncertain significance for Inborn genetic diseases. Last evaluated: 2026-03-23. Review status: criteria provided, single submitter. Criteria: Ambry Variant Classification Scheme 2023. Collection method: clinical testing. Allele origin: germline.
Comment: The p.P448A variant (also known as c.1342C>G), located in coding exon 7 of the RECQL4 gene, results from a C to G substitution at nucleotide position 1342. The proline at codon 448 is replaced by alanine, an amino acid with highly similar properties. This amino acid position is conserved. In addition, this alteration is predicted to be tolerated by in silico analysis. Based on the available evidence, the clinical significance of this variant remains unclear.

Labcorp Genetics (formerly Invitae), Labcorp
Classification: Uncertain significance for Baller-Gerold syndrome. Last evaluated: 2024-02-23. Review status: criteria provided, single submitter. Criteria: Invitae Variant Classification Sherloc (09022015). Collection method: clinical testing. Allele origin: germline.
Comment: This sequence change replaces proline, which is neutral and non-polar, with alanine, which is neutral and non-polar, at codon 448 of the RECQL4 protein (p.Pro448Ala). This variant is not present in population databases (gnomAD no frequency). This variant has not been reported in the literature in individuals affected with RECQL4-related conditions. ClinVar contains an entry for this variant (Variation ID: 663590). Advanced modeling of protein sequence and biophysical properties (such as structural, functional, and spatial information, amino acid conservation, physicochemical variation, residue mobility, and thermodynamic stability) performed at Invitae indicates that this missense variant is not expected to disrupt RECQL4 protein function with a negative predictive value of 80%. In summary, the available evidence is currently insufficient to determine the role of this variant in disease. Therefore, it has been classified as a Variant of Uncertain Significance.